The following is an entry in ClinVar:

NM_016103.4(SAR1B):c.449T>C (p.Met150Thr)

Gene: SAR1B (secretion associated Ras related GTPase 1B; minus strand). Cytogenetic location: 5q31.1.
Variant type: single nucleotide variant.
Coding change: c.449T>C on transcript NM_016103.4 (MANE Select); coding-DNA position 449, T replaced by C.
Protein change: p.Met150Thr; replaces methionine 150 with threonine.
Molecular consequence: missense variant.
Genome position (GRCh38, 1-based): chr5:134,608,403, A>G on the plus strand (T>C on the coding strand, the complement: SAR1B is on the minus strand). VCF-style: chr5-134608403-A-G. GRCh37 (hg19) VCF-style: chr5-133944093-A-G.
Other names: c.449T>C, p.Met150Thr (NM_001033503.3); short protein forms M150T.
Identifiers: ClinVar variation 1933633 (VCV001933633.5), dbSNP rs2484105920, ClinGen allele CA361000021.

ClinVar aggregate classification (germline): Uncertain significance (1 of 4 stars; one submission).

Submission:

Labcorp Genetics (formerly Invitae), Labcorp
Classification: Uncertain significance. Last evaluated: 2024-05-20. Review status: criteria provided, single submitter. Criteria: Invitae Variant Classification Sherloc (09022015). Collection method: clinical testing. Allele origin: germline.
Comment: This sequence change replaces methionine, which is neutral and non-polar, with threonine, which is neutral and polar, at codon 150 of the SAR1B protein (p.Met150Thr). This variant is not present in population databases (gnomAD no frequency). This variant has not been reported in the literature in individuals affected with SAR1B-related conditions. ClinVar contains an entry for this variant (Variation ID: 1933633). An algorithm developed to predict the effect of missense changes on protein structure and function (PolyPhen-2) suggests that this variant is likely to be tolerated. In summary, the available evidence is currently insufficient to determine the role of this variant in disease. Therefore, it has been classified as a Variant of Uncertain Significance.